The following is an entry in ClinVar:

NM_005359.6(SMAD4):c.1396G>A (p.Ala466Thr)

Gene: SMAD4 (SMAD family member 4; plus strand). Cytogenetic location: 18q21.2.
Variant type: single nucleotide variant.
Coding change: c.1396G>A on transcript NM_005359.6 (MANE Select); coding-DNA position 1396, G replaced by A.
Protein change: p.Ala466Thr; replaces alanine 466 with threonine.
Molecular consequence: missense variant.
Genome position (GRCh38, 1-based): chr18:51,076,725, G>A. VCF-style: chr18-51076725-G-A. GRCh37 (hg19) VCF-style: chr18-48603095-G-A.
Other names: c.1396G>A (NM_005359.5); short protein forms A466T.
Identifiers: ClinVar variation 1375855 (VCV001375855.7), dbSNP rs2144474300, ClinGen allele CA402465290.

ClinVar aggregate classification (germline): Uncertain significance. Review status: criteria provided, multiple submitters, no conflicts (2 of 4 stars). 2 submissions from 2 submitters: Uncertain significance (2). Last evaluated 2025-04-07.

Conditions:
Familial thoracic aortic aneurysm and aortic dissection (TAAD). Also called: Thoracic aortic aneurysms and dissections. Identifiers: Orphanet 91387, MedGen C4707243, MONDO:0019625.
Hereditary cancer-predisposing syndrome. Also called: Hereditary neoplastic syndrome; Hereditary Cancer Syndrome; Neoplastic Syndromes, Hereditary; Tumor predisposition. Identifiers: Orphanet 140162, MedGen C0027672, MeSH D009386, MONDO:0015356.
Juvenile polyposis syndrome (JPS). Identifiers: Orphanet 2929, MedGen C0345893, MONDO:0017380, OMIM 174900.

Submissions (2):

Ambry Genetics
Classification: Uncertain significance for Hereditary cancer-predisposing syndrome; Familial thoracic aortic aneurysm and aortic dissection. Last evaluated: 2025-04-07. Review status: criteria provided, single submitter. Criteria: Ambry Variant Classification Scheme 2023. Collection method: clinical testing. Allele origin: germline.
Comment: The p.A466T variant (also known as c.1396G>A), located in coding exon 10 of the SMAD4 gene, results from a G to A substitution at nucleotide position 1396. The alanine at codon 466 is replaced by threonine, an amino acid with similar properties. This amino acid position is conserved. In addition, this alteration is predicted to be deleterious by in silico analysis. Based on the available evidence, the clinical significance of this variant remains unclear.

Labcorp Genetics (formerly Invitae), Labcorp
Classification: Uncertain significance for Juvenile polyposis syndrome. Last evaluated: 2021-08-18. Review status: criteria provided, single submitter. Criteria: Invitae Variant Classification Sherloc (09022015). Collection method: clinical testing. Allele origin: germline.
Comment: This sequence change replaces alanine with threonine at codon 466 of the SMAD4 protein (p.Ala466Thr). The alanine residue is highly conserved and there is a small physicochemical difference between alanine and threonine. This variant is not present in population databases (ExAC no frequency). This variant has not been reported in the literature in individuals affected with SMAD4-related conditions. Algorithms developed to predict the effect of missense changes on protein structure and function are either unavailable or do not agree on the potential impact of this missense change (SIFT: "Tolerated"; PolyPhen-2: "Possibly Damaging"; Align-GVGD: "Class C0"). In summary, the available evidence is currently insufficient to determine the role of this variant in disease. Therefore, it has been classified as a Variant of Uncertain Significance.